The following is an entry in ClinVar:

ClinVar aggregate classification (germline): Uncertain significance (1 of 4 stars; one submission).

Submission:

Women's Health and Genetics/Laboratory Corporation of America, LabCorp
Classification: Uncertain significance. Last evaluated: 2025-06-04. Review status: criteria provided, single submitter. Criteria: LabCorp Variant Classification Summary - May 2015. Collection method: clinical testing. Allele origin: germline.
Comment: Variant summary: ACADM c.155C>T (p.Ala52Val) results in a non-conservative amino acid change in the encoded protein sequence. Algorithms developed to predict the effect of missense changes on protein structure and function all suggest that this variant is likely to be disruptive. The variant was absent in 251342 control chromosomes (gnomAD). c.155C>T has been observed in at least one individual affected with Medium Chain Acyl-CoA Dehydrogenase Deficiency (Maier_2005). At least two publications report experimental evidence evaluating an impact on protein function. The most pronounced variant effect results in 30%-50% of normal activity (Maier_2009, Jank_2014). The following publications have been ascertained in the context of this evaluation (PMID: 32778825, 19673949, 24718418, 19224950, 15832312). No submitters have cited clinical-significance assessments for this variant to ClinVar. Based on the evidence outlined above, the variant was classified as VUS-possibly pathogenic.

Literature cited by the submitters: PubMed 24718418; PubMed 15832312; PubMed 32778825; PubMed 19224950; PubMed 19673949.

NM_000016.6(ACADM):c.155C>T (p.Ala52Val)

Gene: ACADM (acyl-CoA dehydrogenase medium chain; plus strand). Cytogenetic location: 1p31.1.
Variant type: single nucleotide variant.
Coding change: c.155C>T on transcript NM_000016.6 (MANE Select); coding-DNA position 155, C replaced by T.
Protein change: p.Ala52Val; replaces alanine 52 with valine.
Molecular consequence: missense variant. On other transcripts: 5 prime UTR variant (1).
Genome position (GRCh38, 1-based): chr1:75,732,680, C>T. VCF-style: chr1-75732680-C-T. GRCh37 (hg19) VCF-style: chr1-76198365-C-T.
Other names: c.167C>T, p.Ala56Val (NM_001127328.3); c.47C>T, p.Ala16Val (NM_001286042.2); c.155C>T, p.Ala52Val (NM_001286043.2); c.-231C>T (NM_001286044.2); short protein forms A16V, A52V, A56V.
Identifiers: ClinVar variation 3907397 (VCV003907397.1).